The following is an entry in ClinVar:

NM_000264.5(PTCH1):c.287A>G (p.Lys96Arg)

Gene: PTCH1 (patched 1; minus strand). Cytogenetic location: 9q22.32.
Variant type: single nucleotide variant.
Coding change: c.287A>G on transcript NM_000264.5 (MANE Select); coding-DNA position 287, A replaced by G.
Protein change: p.Lys96Arg; replaces lysine 96 with arginine.
Molecular consequence: missense variant. On other transcripts: 5 prime UTR variant (4), non-coding transcript variant (1).
Genome position (GRCh38, 1-based): chr9:95,506,514, T>C on the plus strand (A>G on the coding strand, the complement: PTCH1 is on the minus strand). VCF-style: chr9-95506514-T-C. GRCh37 (hg19) VCF-style: chr9-98268796-T-C.
Other names: c.89A>G, p.Lys30Arg (NM_001083602.3, NM_001354919.2); c.284A>G, p.Lys95Arg (NM_001083603.3); c.-167A>G (NM_001083604.3, NM_001083605.3, NM_001083606.3 and 1 more transcripts); c.287A>G, p.Lys96Arg (NM_001354918.2); short protein forms K96R, K30R, K95R.
Identifiers: ClinVar variation 4055937 (VCV004055937.1).

ClinVar aggregate classification (germline): Uncertain significance (1 of 4 stars; one submission).

Submission:

GeneDx
Classification: Uncertain significance. Last evaluated: 2025-01-03. Review status: criteria provided, single submitter. Criteria: GeneDx Variant Classification Process June 2021. Collection method: clinical testing. Allele origin: germline. Affected: yes.
Comment: Not observed at significant frequency in large population cohorts (gnomAD); In silico analysis indicates that this missense variant does not alter protein structure/function; Has not been previously published as pathogenic or benign to our knowledge